The following is an entry in ClinVar:

ClinVar aggregate classification (germline): Pathogenic. Review status: reviewed by expert panel (3 of 4 stars). 2 submissions from 2 submitters: Pathogenic (1). 1 of the submissions does not count toward it. Last evaluated 2016-10-18.

Conditions:
Breast-ovarian cancer, familial, susceptibility to, 1 (BROVCA1). Also called: BRCA1 Hereditary Breast and Ovarian Cancer; OVARIAN CANCER, SUSCEPTIBILITY TO. Identifiers: Orphanet 145, MedGen C2676676, MONDO:0011450, OMIM 604370. Disease mechanism: loss of function.

Submissions (2):

Evidence-based Network for the Interpretation of Germline Mutant Alleles (ENIGMA)
Classification: Pathogenic for Breast-ovarian cancer, familial, susceptibility to, 1. Last evaluated: 2016-10-18. Review status: reviewed by expert panel. Criteria: ENIGMA BRCA1/2 Classification Criteria (2015). Collection method: curation. Allele origin: germline.
Comment: Variant allele predicted to encode a truncated non-functional protein.

Consortium of Investigators of Modifiers of BRCA1/2 (CIMBA), c/o University of Cambridge
Classification: Pathogenic for Breast-ovarian cancer, familial, susceptibility to, 1. Last evaluated: 2015-10-02. Review status: criteria provided, single submitter. Criteria: CIMBA Mutation Classification guidelines May 2016. Collection method: clinical testing. Allele origin: germline. Not counted in ClinVar's aggregate classification.

NM_007294.4(BRCA1):c.4569_4572del (p.Ser1524fs)

Gene: BRCA1 (BRCA1 DNA repair associated; minus strand). Cytogenetic location: 17q21.31.
Variant type: Deletion.
Coding change: c.4569_4572del on transcript NM_007294.4 (MANE Select); coding-DNA positions 4569 to 4572, 4 bases deleted (ATCT; older notation c.4569_4572delATCT).
Protein change: p.Ser1524fs; shifts the reading frame from serine 1524.
Molecular consequence: frameshift variant. On other transcripts: non-coding transcript variant (1).
Genome position (GRCh38, 1-based): chr17:43,074,434-43,074,437, AGAT deleted on the plus strand (ATCT on the coding strand, the reverse complement: BRCA1 is on the minus strand). VCF-style (leftmost placement, unchanged base first): chr17-43074433-GAGAT-G. GRCh37 (hg19) VCF-style: chr17-41226450-GAGAT-G.
Other names: 4688del4-ter1546; c.4356_4359delATCT, p.Ser1453Lysfs (NM_001407571.1, NM_001407894.1, NM_001407895.1 and 12 more transcripts); c.4635_4638delATCT, p.Ser1546Lysfs (NM_001407581.1, NM_001407582.1); c.4632_4635delATCT, p.Ser1545Lysfs (NM_001407583.1, NM_001407585.1, NM_001407587.1); c.4629_4632delATCT, p.Ser1544Lysfs (NM_001407590.1, NM_001407591.1); c.4569_4572delATCT, p.Ser1524Lysfs (NM_001407593.1, NM_001407594.1, NM_001407596.1 and 9 more transcripts); c.4566_4569delATCT, p.Ser1523Lysfs (NM_001407610.1, NM_001407611.1, NM_001407612.1 and 17 more transcripts); c.4563_4566delATCT, p.Ser1522Lysfs (NM_001407627.1, NM_001407628.1, NM_001407629.1 and 14 more transcripts); and 72 more; short protein forms S1524fs, S420fs, S1477fs, S1545fs.
Identifiers: ClinVar variation 266483 (VCV000266483.6), dbSNP rs886040236, ClinGen allele CA10589656.